The following is an entry in ClinVar:

ClinVar aggregate classification (germline): Uncertain significance (1 of 4 stars; one submission).

Conditions:
Brugada syndrome. Also called: Sudden unexplained nocturnal death syndrome; Sudden unexpected nocturnal death syndrome; Sudden Unexplained Death Syndrome; Sudden Unexplained Nocturnal Death Syndrome (SUNDS). Identifiers: Orphanet 130, MedGen C1142166, MONDO:0015263.

Submission:

Labcorp Genetics (formerly Invitae), Labcorp
Classification: Uncertain significance for Brugada syndrome. Last evaluated: 2022-06-13. Review status: criteria provided, single submitter. Criteria: Invitae Variant Classification Sherloc (09022015). Collection method: clinical testing. Allele origin: germline.
Comment: This variant has not been reported in the literature in individuals affected with SCN10A-related conditions. This variant is not present in population databases (gnomAD no frequency). This sequence change falls in intron 16 of the SCN10A gene. It does not directly change the encoded amino acid sequence of the SCN10A protein. Algorithms developed to predict the effect of sequence changes on RNA splicing suggest that this variant may disrupt the consensus splice site. In summary, the available evidence is currently insufficient to determine the role of this variant in disease. Therefore, it has been classified as a Variant of Uncertain Significance.

NM_006514.4(SCN10A):c.3088-4C>G

Genes: SCN10A (sodium voltage-gated channel alpha subunit 10; minus strand), LOC110121288 (VISTA enhancer hs2268; plus strand). Cytogenetic location: 3p22.2.
Variant type: single nucleotide variant.
Coding change: c.3088-4C>G on transcript NM_006514.4 (MANE Select); 4 bases into the intron before coding-DNA position 3088, C replaced by G.
Molecular consequence: intron variant.
Genome position (GRCh38, 1-based): chr3:38,725,318, G>C on the plus strand (C>G on the coding strand, the complement: SCN10A is on the minus strand). VCF-style: chr3-38725318-G-C. GRCh37 (hg19) VCF-style: chr3-38766809-G-C.
Other names: c.2794-4C>G (NM_001293307.2); c.3088-7C>G (NM_001293306.2).
Identifiers: ClinVar variation 2181671 (VCV002181671.4), dbSNP rs2470664377, ClinGen allele CA2580069775.